The following is an entry in ClinVar:

NM_001267550.2(TTN):c.49378dup (p.Ser16460fs)

Genes: TTN-AS1 (TTN antisense RNA 1; plus strand), TTN (titin; minus strand). Cytogenetic location: 2q31.2.
Variant type: Duplication.
Coding change: c.49378dup on transcript NM_001267550.2 (MANE Select); coding-DNA position 49378, one base duplicated (T; older notation c.49378dupT).
Protein change: p.Ser16460fs; shifts the reading frame from serine 16460.
Molecular consequence: frameshift variant.
Genome position (GRCh38, 1-based): chr2:178,613,905, A duplicated on the plus strand (T on the coding strand, the reverse complement: TTN is on the minus strand); the first of 2 consecutive A bases (chr2:178,613,905-178,613,906); duplicating either gives the same sequence. VCF-style (leftmost placement, unchanged base first): chr2-178613904-G-GA. GRCh37 (hg19) VCF-style: chr2-179478631-G-GA.
Other names: c.44455dup, p.Ser14819fs (NM_001256850.1); c.22183dup, p.Ser7395fs (NM_003319.4); c.41674dup, p.Ser13892fs (NM_133378.4); c.22558dup, p.Ser7520fs (NM_133432.3); c.22759dup, p.Ser7587fs (NM_133437.4); c.22183dupT (NM_003319.4); short protein forms S14819fs, S16460fs, S7520fs, S7587fs, S13892fs, S7395fs.
Identifiers: ClinVar variation 1787857 (VCV001787857.2), dbSNP rs2470629154, ClinGen allele CA2580064975.
Genomic context (GRCh38, chr2:178,613,904, plus strand): 5'-CTGCCACCATCATCATCTGGCTCACACCATGTGAGAGTCACTGCGTCTTTAGTGATATCA[G>GA]AAGGTTCTAGGCGAGTTGGAGGACCAGGTGGATCTATAGACAGGATAATGGTGTAAAATG-3'

ClinVar aggregate classification (germline): Likely pathogenic (1 of 4 stars; one submission).

Conditions:
Cardiovascular phenotype. Identifiers: MedGen CN230736.

Submission:

Ambry Genetics
Classification: Likely pathogenic for Cardiovascular phenotype. Last evaluated: 2020-03-23. Review status: criteria provided, single submitter. Criteria: Ambry Variant Classification Scheme 2023. Collection method: clinical testing. Allele origin: germline.
Comment: The c.22183dupT variant, located in coding exon 90 of the TTN gene, results from a duplication of T at nucleotide position 22183, causing a translational frameshift with a predicted alternate stop codon (p.S7395Ffs*2). This exon is located in the A-band region of the N2-B isoform of the titin protein and is constitutively expressed in TTN transcripts (percent spliced in or PSI 100%). This alteration is expected to result in loss of function by premature protein truncation or nonsense-mediated mRNA decay. While truncating variants in TTN are present in 1-3% of the general population, truncating variants in the A-band are the most common cause of dilated cardiomyopathy (DCM) (Herman DS et al. N. Engl. J. Med., 2012 Feb;366:619-28; Roberts AM et al. Sci Transl Med, 2015 Jan;7:270ra6). TTN truncating variants encoded in constitutive exons (PSI >90%) have been found to be significantly associated with DCM regardless of their position in titin (Schafer S et al. Nat. Genet., 2017 01;49:46-53). As such, this alteration is classified as likely pathogenic.